The following is an entry in ClinVar:

ClinVar aggregate classification (germline): Uncertain significance (1 of 4 stars; one submission).

Submission:

Women's Health and Genetics/Laboratory Corporation of America, LabCorp
Classification: Uncertain significance. Last evaluated: 2026-05-27. Review status: criteria provided, single submitter. Criteria: LabCorp Variant Classification Summary - May 2015. Collection method: clinical testing. Allele origin: germline.
Comment: Variant summary: The variant involves the duplication of exons 1-11 in the GNPTG gene. A presumed nomenclature of c.(?_-36)_(*1023_?)dup has been designated for the purposes of this classification. This duplication includes the entire coding sequence of the gene. As exact breakpoints are unknown, it may extend beyond the annotated region of the gene, to include other flanking genes. The variant was absent in 21686 control chromosomes (gnomAD SV database). The available data on variant occurrences in the general population are insufficient to allow any conclusion about variant significance. To our knowledge, no occurrence of c.(?_-36)_(*1023_?)dup in individuals affected with GNPTG-related conditions and no experimental evidence demonstrating its impact on protein function have been reported. No submitters have cited clinical-significance assessments for this variant to ClinVar. Based on the evidence outlined above, the variant was classified as uncertain significance.

NC_000016.9:g.(?_1401931)_(1414115_?)dup

Genes: GNPTG (N-acetylglucosamine-1-phosphate transferase subunit gamma; plus strand), UNKL (unk like zinc finger; minus strand). Cytogenetic location: 16p13.3.
Variant type: Duplication.
Identifiers: ClinVar variation 4853624 (VCV004853624.1).